The following is an entry in ClinVar:

NM_017612.5(ZCCHC8):c.1539C>G (p.Asp513Glu)

Genes: ZCCHC8 (zinc finger CCHC-type containing 8; minus strand), LOC130009053 (ATAC-STARR-seq lymphoblastoid active region 7226; plus strand). Cytogenetic location: 12q24.31.
Variant type: single nucleotide variant.
Coding change: c.1539C>G on transcript NM_017612.5 (MANE Select); coding-DNA position 1539, C replaced by G.
Protein change: p.Asp513Glu; replaces aspartic acid 513 with glutamic acid.
Molecular consequence: missense variant.
Genome position (GRCh38, 1-based): chr12:122,474,082, G>C on the plus strand (C>G on the coding strand, the complement: ZCCHC8 is on the minus strand). VCF-style: chr12-122474082-G-C. GRCh37 (hg19) VCF-style: chr12-122958629-G-C.
Other names: c.1308C>G, p.Asp436Glu (NM_001350935.2); c.1242C>G, p.Asp414Glu (NM_001350936.2); c.825C>G, p.Asp275Glu (NM_001350937.2, NM_001350938.2); short protein forms D513E, D275E, D436E, D414E.
Identifiers: ClinVar variation 2906873 (VCV002906873.3), dbSNP rs368211759, ClinGen allele CA6846147.

ClinVar aggregate classification (germline): Uncertain significance (1 of 4 stars; one submission).

Allele frequency attached by ClinVar (database versions not stated): ESP Exome Variant Server 0.00008.
gnomAD v4.1: 11 of 1,518,540 alleles (0.00072%); highest among the groups gnomAD compares: Non-Finnish European, 0.00097%; no homozygotes.

Submission:

Labcorp Genetics (formerly Invitae), Labcorp
Classification: Uncertain significance. Last evaluated: 2025-07-06. Review status: criteria provided, single submitter. Criteria: Invitae Variant Classification Sherloc (09022015). Collection method: clinical testing. Allele origin: germline.
Comment: This sequence change replaces aspartic acid, which is acidic and polar, with glutamic acid, which is acidic and polar, at codon 513 of the ZCCHC8 protein (p.Asp513Glu). This variant is present in population databases (rs368211759, gnomAD 0.001%). This variant has not been reported in the literature in individuals affected with ZCCHC8-related conditions. ClinVar contains an entry for this variant (Variation ID: 2906873). Invitae Evidence Modeling of protein sequence and biophysical properties (such as structural, functional, and spatial information, amino acid conservation, physicochemical variation, residue mobility, and thermodynamic stability) indicates that this missense variant is not expected to disrupt ZCCHC8 protein function with a negative predictive value of 80%. In summary, the available evidence is currently insufficient to determine the role of this variant in disease. Therefore, it has been classified as a Variant of Uncertain Significance.